The following is an entry in ClinVar:

NM_007294.4(BRCA1):c.5291T>C (p.Leu1764Pro)

Gene: BRCA1 (BRCA1 DNA repair associated; minus strand). Cytogenetic location: 17q21.31.
Variant type: single nucleotide variant.
Coding change: c.5291T>C on transcript NM_007294.4 (MANE Select); coding-DNA position 5291, T replaced by C.
Protein change: p.Leu1764Pro; replaces leucine 1764 with proline.
Molecular consequence: missense variant. On other transcripts: non-coding transcript variant (1).
Genome position (GRCh38, 1-based): chr17:43,051,104, A>G on the plus strand (T>C on the coding strand, the complement: BRCA1 is on the minus strand). VCF-style: chr17-43051104-A-G. GRCh37 (hg19) VCF-style: chr17-41203121-A-G.
Other names: 5410T>C; c.5288T>C, p.Leu1763Pro (NM_001407611.1, NM_001407612.1, NM_001407613.1 and 17 more transcripts); c.5165T>C, p.Leu1722Pro (NM_001407671.1, NM_001407672.1, NM_001407673.1 and 10 more transcripts); c.5144T>C, p.Leu1715Pro (NM_001407841.1, NM_001407842.1, NM_001407843.1 and 12 more transcripts); c.5024T>C, p.Leu1675Pro (NM_001407929.1, NM_001407930.1, NM_001407931.1 and 4 more transcripts); c.5021T>C, p.Leu1674Pro (NM_001407934.1, NM_001407935.1, NM_001407936.1); c.5168T>C, p.Leu1723Pro (NM_001407937.1, NM_001407938.1, NM_001407664.1 and 5 more transcripts); c.1742T>C, p.Leu581Pro (NM_001408494.1); and 73 more; short protein forms L1764P, L1717P, L660P, L1785P, L1468P, L1610P, L1635P, L1651P.
Identifiers: ClinVar variation 55510 (VCV000055510.28), dbSNP rs80357281, ClinGen allele CA003449.

ClinVar aggregate classification (germline): Pathogenic. Review status: reviewed by expert panel (3 of 4 stars). 11 submissions from 11 submitters: Pathogenic (1). 10 of the submissions do not count toward it. Last evaluated 2015-08-10.

Conditions:
Breast-ovarian cancer, familial, susceptibility to, 1 (BROVCA1). Also called: BRCA1 Hereditary Breast and Ovarian Cancer; OVARIAN CANCER, SUSCEPTIBILITY TO. Identifiers: Orphanet 145, MedGen C2676676, MONDO:0011450, OMIM 604370. Disease mechanism: loss of function.
Hereditary cancer-predisposing syndrome. Also called: Hereditary Cancer Syndrome; Hereditary neoplastic syndrome; Neoplastic Syndromes, Hereditary; Tumor predisposition. Identifiers: Orphanet 140162, MedGen C0027672, MeSH D009386, MONDO:0015356.
Hereditary breast ovarian cancer syndrome. Also called: BRCA1- and BRCA2-Associated Hereditary Breast and Ovarian Cancer; Hereditary breast and ovarian cancer syndrome; Hereditary breast and ovarian cancer syndrome (HBOC); Breast and ovarian cancer; Hereditary breast and/or ovarian cancer syndrome; Hereditary breast and ovarian cancer. Identifiers: Orphanet 145, MedGen C0677776, MeSH D061325, MONDO:0003582. Disease mechanism: loss of function.

Submissions (12):

Evidence-based Network for the Interpretation of Germline Mutant Alleles (ENIGMA)
Classification: Pathogenic for Breast-ovarian cancer, familial 1. Last evaluated: 2015-08-10. Review status: reviewed by expert panel. Criteria: ENIGMA BRCA1/2 Classification Criteria (2015). Collection method: curation. Allele origin: germline.
Comment: IARC class based on posterior probability from multifactorial likelihood analysis, thresholds for class as per Plon et al. 2008 (PMID: 18951446). Class 5 based on posterior probability = 0.99

Labcorp Genetics (formerly Invitae), Labcorp
Classification: Pathogenic for Hereditary breast ovarian cancer syndrome. Last evaluated: 2025-12-20. Review status: criteria provided, single submitter. Criteria: Invitae Variant Classification Sherloc (09022015). Collection method: clinical testing. Allele origin: germline. Not counted in ClinVar's aggregate classification.
Comment: This sequence change replaces leucine, which is neutral and non-polar, with proline, which is neutral and non-polar, at codon 1764 of the BRCA1 protein (p.Leu1764Pro). This variant is not present in population databases (gnomAD no frequency). This missense change has been observed in individual(s) with a personal and/or family history of breast and/or ovarian cancer (PMID: 18824701, 26022348, 29446198, 30257646; internal data). It has also been observed to segregate with disease in related individuals. ClinVar contains an entry for this variant (Variation ID: 55510). Invitae Evidence Modeling incorporating data from in vitro experimental studies (PMID: 30209399) indicates that this missense variant is expected to disrupt BRCA1 function with a positive predictive value of 95%. Experimental studies have shown that this missense change affects BRCA1 function (PMID: 17305420, 17308087, 20378548, 20516115, 23867111, 27272900, 30209399). For these reasons, this variant has been classified as Pathogenic.

Ambry Genetics
Classification: Likely pathogenic for Hereditary cancer-predisposing syndrome. Last evaluated: 2024-04-17. Review status: criteria provided, single submitter. Criteria: Ambry Variant Classification Scheme 2023. Collection method: clinical testing. Allele origin: germline. Not counted in ClinVar's aggregate classification.
Comment: The p.L1764P variant (also known as c.5291T>C), located in coding exon 19 of the BRCA1 gene, results from a T to C substitution at nucleotide position 5291. The leucine at codon 1764 is replaced by proline, an amino acid with similar properties. The Leu1764 residue is deeply buried in the hydrophobic core of the highly conserved BRCT domain and as such, thermodynamic stability assays indicate that p.L1764P has a destabilizing effect (Rowling PJ et al. J Biol Chem. 2010 Jun; 285(26):20080-7). Functional studies including c-DNA complementation, homologous recombination, yeast-based assays, nuclear localization and solubility assays, and transcription activation assays have all demonstrated deficient function (Carvalho MA et al. Cancer Res. 2007 Feb; 67(4):1494-501; Bouwman P et al. Cancer Discov. 2013 Oct; 3(10):1142-55; Lee MS et al. Cancer Res. 2010 Jun 15;70(12):4880-90; Woods NT et al. NPJ Genom Med 2016 Mar;1; Petitalot A et al. Mol. Cancer Res. 2019 01;17(1):54-69). One functional study found that this nucleotide substitution is deleterious in a high throughput genome editing haploid cell survival assay (Findlay GM et al. Nature. 2018 10;562(7726):217-222). This variant is considered to be rare based on population cohorts in the Genome Aggregation Database (gnomAD). This amino acid position is highly conserved in available vertebrate species. In addition, this alteration is predicted to be deleterious by in silico analysis. Based on the majority of available evidence to date, this variant is likely to be pathogenic.

Baylor Genetics
Classification: Pathogenic for Breast-ovarian cancer, familial, susceptibility to, 1. Last evaluated: 2024-03-28. Review status: criteria provided, single submitter. Criteria: ACMG Guidelines, 2015. Collection method: clinical testing. Allele origin: unknown. Not counted in ClinVar's aggregate classification.

All of Us Research Program, National Institutes of Health
Classification: Likely pathogenic for Breast-ovarian cancer, familial, susceptibility to, 1. Last evaluated: 2023-08-08. Review status: criteria provided, single submitter. Criteria: ACMG Guidelines, 2015. Collection method: clinical testing. Allele origin: germline. Inheritance: Autosomal dominant inheritance. Observed: 1 variant allele, 1 heterozygote. Not counted in ClinVar's aggregate classification.
Comment: This missense variant replaces leucine with proline at codon 1764 of the BRCA1 protein. Computational prediction is inconclusive regarding the impact of this variant on protein structure and function (internally defined REVEL score threshold 0.5 < inconclusive < 0.7, PMID: 27666373). Functional studies have reported that this variant impacts BRCA1 function in homology-directed DNA repair, transcription activation, haploid cell proliferation and additional assays (PMID: 30257991, 30209399, 29884841, 27272900, 23867111, 20516115, 20378548, 17308087). This variant has been reported in at least three individuals affected with breast and/or ovarian cancer and in several suspected hereditary breast and ovarian cancer families (PMID: 18824701, 29446198, 30257646, 31076742). This variant has not been identified in the general population by the Genome Aggregation Database (gnomAD). Based on the available evidence, this variant is classified as Likely Pathogenic.

This study involves interpretation of variants in research participants for the purpose of population health screening. Participant phenotype was not available at the time of variant classification. Additional details can be found in publication PMID: 35346344, PMCID: PMC8962531

Women's Health and Genetics/Laboratory Corporation of America, LabCorp
Classification: Pathogenic for Hereditary breast ovarian cancer syndrome. Last evaluated: 2017-01-31. Review status: criteria provided, single submitter. Criteria: LabCorp Variant Classification Summary - May 2015. Collection method: clinical testing. Allele origin: germline. Not counted in ClinVar's aggregate classification.
Comment: Variant summary: The BRCA1 c.5291T>C (p.Leu1764Pro) variant located in the BRCT domain (via InterPro) involves the alteration of a conserved nucleotide, which 5/5 in silico tools predict a damaging outcome. Multiple functional studies have been performed that support these predictions. The variant of interest has not been observed in controls (ExAC, 1000 Gs, or ESP) and has been reported in multiple affected individuals via publications and databases. The variant of interest has been indicated to cause fold destabilization. In addition, multiple clinical diagnostic laboratories/reputable databases classified this variant as pathogenic. Taken together, this variant is classified as pathogenic.

Consortium of Investigators of Modifiers of BRCA1/2 (CIMBA), c/o University of Cambridge
Classification: Pathogenic for Breast-ovarian cancer, familial, susceptibility to, 1. Last evaluated: 2015-10-02. Review status: criteria provided, single submitter. Criteria: CIMBA Mutation Classification guidelines May 2016. Collection method: clinical testing. Allele origin: germline. Not counted in ClinVar's aggregate classification.

Counsyl
Classification: Pathogenic for Breast-ovarian cancer, familial, susceptibility to, 1. Last evaluated: 2018-02-14. Review status: no assertion criteria provided. Collection method: clinical testing. Allele origin: unknown. Not counted in ClinVar's aggregate classification.

Breast Cancer Information Core (BIC) (BRCA1)
Classification: Uncertain significance for Breast-ovarian cancer, familial 1. Last evaluated: 2004-02-20. Review status: no assertion criteria provided. Collection method: clinical testing. Allele origin: germline. Affected: yes. Observed: 6 variant alleles. Not counted in ClinVar's aggregate classification.

Brotman Baty Institute, University of Washington
No classification provided (evidence only). Condition: Breast-ovarian cancer, familial 1. Review status: no classification provided. Collection method: in vitro. Allele origin: not applicable. Functional consequence: functionally_abnormal. Not counted in ClinVar's aggregate classification.
ClinVar note: "not provided" was previously submitted as the classification for the variant. However, the classification appeared to be based only on an observation of functional data so it was converted to no classification on 2025-07-30.

Diagnostic Laboratory, Department of Genetics, University Medical Center Groningen
Classification: Pathogenic. Review status: no assertion criteria provided. Collection method: clinical testing. Allele origin: germline. Affected: yes. Study: VKGL Data-share Consensus. Not counted in ClinVar's aggregate classification.

Joint Genome Diagnostic Labs from Nijmegen and Maastricht, Radboudumc and MUMC+
Classification: Pathogenic. Review status: no assertion criteria provided. Collection method: clinical testing. Allele origin: germline. Affected: yes. Study: VKGL Data-share Consensus. Not counted in ClinVar's aggregate classification.

Literature cited by the submitters: PubMed 21990134 (cited by 3 submitters); PubMed 18824701 (cited by 4 submitters); PubMed 26022348 (cited by Labcorp Genetics (formerly Invitae), Labcorp and Counsyl); PubMed 29446198 (cited by 3 submitters); PubMed 30257646 (cited by 3 submitters); PubMed 30209399 (cited by 3 submitters); PubMed 17305420 (cited by Labcorp Genetics (formerly Invitae), Labcorp and Ambry Genetics); PubMed 17308087 (cited by 5 submitters); PubMed 20378548 (cited by 5 submitters); PubMed 20516115 (cited by 4 submitters); PubMed 23867111 (cited by 5 submitters); PubMed 27272900 (cited by 4 submitters); PubMed 15184261 (cited by Ambry Genetics); PubMed 30257991 (cited by Ambry Genetics and All of Us Research Program, National Institutes of Health); PubMed 32322110 (cited by Ambry Genetics); PubMed 29884841 (cited by All of Us Research Program, National Institutes of Health); PubMed 31076742 (cited by All of Us Research Program, National Institutes of Health); PubMed 17924331 (cited by Women's Health and Genetics/Laboratory Corporation of America, LabCorp and Counsyl); PubMed 16267036 (cited by Women's Health and Genetics/Laboratory Corporation of America, LabCorp and Counsyl); PubMed 21447777 (cited by Counsyl).